The following is an entry in ClinVar:

NM_001046.3(SLC12A2):c.802A>G (p.Thr268Ala)

Gene: SLC12A2 (solute carrier family 12 member 2; plus strand). Cytogenetic location: 5q23.3.
Variant type: single nucleotide variant.
Coding change: c.802A>G on transcript NM_001046.3 (MANE Select); coding-DNA position 802, A replaced by G.
Protein change: p.Thr268Ala; replaces threonine 268 with alanine.
Molecular consequence: missense variant. On other transcripts: non-coding transcript variant (1).
Genome position (GRCh38, 1-based): chr5:128,112,859, A>G. VCF-style: chr5-128112859-A-G. GRCh37 (hg19) VCF-style: chr5-127448551-A-G.
Other names: c.802A>G, p.Thr268Ala (NM_001256461.2); short protein forms T268A.
Identifiers: ClinVar variation 4804142 (VCV004804142.1).

ClinVar aggregate classification (germline): Uncertain significance (1 of 4 stars; one submission).

gnomAD v4.1: 12 of 1,613,028 alleles (0.00074%); highest among the groups gnomAD compares: Non-Finnish European, 0.001%; no homozygotes.

Submission:

Labcorp Genetics (formerly Invitae), Labcorp
Classification: Uncertain significance. Last evaluated: 2025-12-18. Review status: criteria provided, single submitter. Criteria: Invitae Variant Classification Sherloc (09022015). Collection method: clinical testing. Allele origin: germline.
Comment: This sequence change replaces threonine, which is neutral and polar, with alanine, which is neutral and non-polar, at codon 268 of the SLC12A2 protein (p.Thr268Ala). This variant is present in population databases (rs372391958, gnomAD 0.002%). This variant has not been reported in the literature in individuals affected with SLC12A2-related conditions. Invitae Evidence Modeling of protein sequence and biophysical properties (such as structural, functional, and spatial information, amino acid conservation, physicochemical variation, residue mobility, and thermodynamic stability) indicates that this missense variant is not expected to disrupt SLC12A2 protein function with a negative predictive value of 80%. In summary, the available evidence is currently insufficient to determine the role of this variant in disease. Therefore, it has been classified as a Variant of Uncertain Significance.